The following is an entry in ClinVar:

NM_000271.5(NPC1):c.1801A>G (p.Ile601Val)

Gene: NPC1 (NPC intracellular cholesterol transporter 1; minus strand). Cytogenetic location: 18q11.2.
Variant type: single nucleotide variant.
Coding change: c.1801A>G on transcript NM_000271.5 (MANE Select); coding-DNA position 1801, A replaced by G.
Protein change: p.Ile601Val; replaces isoleucine 601 with valine.
Molecular consequence: missense variant.
Genome position (GRCh38, 1-based): chr18:23,545,106, T>C on the plus strand (A>G on the coding strand, the complement: NPC1 is on the minus strand). VCF-style: chr18-23545106-T-C. GRCh37 (hg19) VCF-style: chr18-21125070-T-C.
Other names: short protein forms I601V.
Identifiers: ClinVar variation 1408163 (VCV001408163.5), dbSNP rs1443429857, ClinGen allele CA401773183.
Genomic context (GRCh38, chr18:23,545,106, plus strand): 5'-CATCACTGTCACTTTCACGATTTAGTTCATCTTCAATACTTCGTTCAGCAGTGAAGGAAA[T>C]GGTCAGATTGGGATTCTTGTAGTTTTTCACAAAATTAATAAACCTAAAAGGTAAGCAAAA-3'
Protein context (NP_000262.2, residues 591-611): VKNYKNPNLT[Ile601Val]SFTAERSIED

ClinVar aggregate classification (germline): Uncertain significance (1 of 4 stars; one submission).

Conditions:
Niemann-Pick disease, type C1. Also called: NIEMANN-PICK DISEASE, VARIANT TYPE C1; NEUROVISCERAL STORAGE DISEASE WITH VERTICAL SUPRANUCLEAR OPHTHALMOPLEGIA; NIEMANN-PICK DISEASE WITH CHOLESTEROL ESTERIFICATION BLOCK; NIEMANN-PICK DISEASE WITHOUT SPHINGOMYELINASE DEFICIENCY; NIEMANN-PICK DISEASE, CHRONIC NEURONOPATHIC FORM. Identifiers: Orphanet 646, MedGen C3179455, MONDO:0009757, OMIM 257220.

Allele frequency attached by ClinVar (database versions not stated): gnomAD exomes below 0.00001; gnomAD 0.00001.
gnomAD v4.1: 3 of 1,613,484 alleles (0.00019%); highest among the groups gnomAD compares: East Asian, 0.0022%; no homozygotes.

Submission:

Labcorp Genetics (formerly Invitae), Labcorp
Classification: Uncertain significance for Niemann-Pick disease, type C1. Last evaluated: 2022-07-25. Review status: criteria provided, single submitter. Criteria: Invitae Variant Classification Sherloc (09022015). Collection method: clinical testing. Allele origin: germline.
Comment: This sequence change replaces isoleucine, which is neutral and non-polar, with valine, which is neutral and non-polar, at codon 601 of the NPC1 protein (p.Ile601Val). This variant is present in population databases (no rsID available, gnomAD 0.06%). This variant has not been reported in the literature in individuals affected with NPC1-related conditions. ClinVar contains an entry for this variant (Variation ID: 1408163). Advanced modeling of protein sequence and biophysical properties (such as structural, functional, and spatial information, amino acid conservation, physicochemical variation, residue mobility, and thermodynamic stability) performed at Invitae indicates that this missense variant is not expected to disrupt NPC1 protein function. In summary, the available evidence is currently insufficient to determine the role of this variant in disease. Therefore, it has been classified as a Variant of Uncertain Significance.